The following is an entry in ClinVar:

NM_022455.5(NSD1):c.3797-8dup

Gene: NSD1 (nuclear receptor binding SET domain protein 1; plus strand). Cytogenetic location: 5q35.3.
Variant type: Duplication.
Coding change: c.3797-8dup on transcript NM_022455.5 (MANE Select); 8 bases into the intron before coding-DNA position 3797, one base duplicated (T; older notation c.3797-8dupT).
Molecular consequence: intron variant.
Genome position (GRCh38, 1-based): chr5:177,235,813, T duplicated. VCF-style (leftmost placement, unchanged base first): chr5-177235812-A-AT. GRCh37 (hg19) VCF-style: chr5-176662813-A-AT.
Other names: c.3797-8dup (NM_001409303.1, NM_001409301.1, NM_001409302.1); c.2924-8dup (NM_001409309.1, NM_001365684.2, NM_001409306.1 and 3 more transcripts); c.3377-8dup (NM_001409304.1); c.3044-8dup (NM_001409305.1).
Identifiers: ClinVar variation 3357551 (VCV003357551.3).

ClinVar aggregate classification (germline): Likely benign. Review status: criteria provided, single submitter (1 of 4 stars). 2 submissions from 2 submitters: Likely benign (1). 1 of the submissions does not count toward it. Last evaluated 2023-03-24.

Conditions:
NSD1-related disorder. Also called: NSD1-related condition.

Submissions (2):

Labcorp Genetics (formerly Invitae), Labcorp
Classification: Likely benign. Last evaluated: 2023-03-24. Review status: criteria provided, single submitter. Criteria: Invitae Variant Classification Sherloc (09022015). Collection method: clinical testing. Allele origin: germline.

PreventionGenetics, part of Exact Sciences
Classification: Likely benign for NSD1-related condition. Last evaluated: 2024-04-25. Review status: no assertion criteria provided. Collection method: clinical testing. Allele origin: germline. Not counted in ClinVar's aggregate classification.
Comment: This variant is classified as likely benign based on ACMG/AMP sequence variant interpretation guidelines (Richards et al. 2015 PMID: 25741868, with internal and published modifications).